The following is an entry in ClinVar:

NM_001166108.2(PALLD):c.1016C>T (p.Thr339Ile)

Gene: PALLD (palladin, cytoskeletal associated protein; plus strand). Cytogenetic location: 4q32.3.
Variant type: single nucleotide variant.
Coding change: c.1016C>T on transcript NM_001166108.2 (MANE Select); coding-DNA position 1016, C replaced by T.
Protein change: p.Thr339Ile; replaces threonine 339 with isoleucine.
Molecular consequence: missense variant. On other transcripts: 5 prime UTR variant (1).
Genome position (GRCh38, 1-based): chr4:168,668,297, C>T. VCF-style: chr4-168668297-C-T. GRCh37 (hg19) VCF-style: chr4-169589448-C-T.
Other names: c.-131C>T (NM_001166109.2); c.1016C>T, p.Thr339Ile (NM_016081.4); short protein forms T339I.
Identifiers: ClinVar variation 2496995 (VCV002496995.2), dbSNP rs2531425419, ClinGen allele CA358793814.

ClinVar aggregate classification (germline): Uncertain significance (1 of 4 stars; one submission).

gnomAD v4.1: 2 of 1,614,100 alleles (0.00012%); no homozygotes.

Submission:

Ambry Genetics
Classification: Uncertain significance. Last evaluated: 2023-03-06. Review status: criteria provided, single submitter. Criteria: Ambry Variant Classification Scheme 2023. Collection method: clinical testing. Allele origin: germline.
Comment: The p.T339I variant (also known as c.1016C>T), located in coding exon 2 of the PALLD gene, results from a C to T substitution at nucleotide position 1016. The threonine at codon 339 is replaced by isoleucine, an amino acid with similar properties. This amino acid position is conserved. In addition, this alteration is predicted to be deleterious by in silico analysis. Since supporting evidence is limited at this time, the clinical significance of this alteration remains unclear.